The following is an entry in ClinVar:

ClinVar aggregate classification (germline): Benign (1 of 4 stars; one submission).

Conditions:
Tumor predisposition syndrome 2 (TPDS2). Also called: MBD4-ASSOCIATED NEOPLASIA SYNDROME; MBD4-Related Tumor Predisposition Syndrome; MBD4-associated neoplasia syndrome (MANS). Identifiers: Orphanet 661526, MedGen C5774186, MONDO:0859267, OMIM 619975.

Submission:

Myriad Genetics, Inc.
Classification: Benign for Tumor predisposition syndrome 2. Last evaluated: 2026-06-11. Review status: criteria provided, single submitter. Criteria: Myriad Autosomal Dominant, Autosomal Recessive and X-Linked Classification Criteria (2023). Collection method: clinical testing. Allele origin: unknown.
Comment: This variant is considered benign. This variant is a silent/synonymous amino acid change and it is not expected to impact splicing.

NM_001276270.2(MBD4):c.369A>G (p.Ser123=)

Gene: MBD4 (methyl-CpG binding domain 4, DNA glycosylase; minus strand). Cytogenetic location: 3q21.3.
Variant type: single nucleotide variant.
Coding change: c.369A>G on transcript NM_001276270.2 (MANE Select); coding-DNA position 369, A replaced by G.
Protein change: p.Ser123=; no amino-acid change (serine 123 retained).
Molecular consequence: synonymous variant. On other transcripts: intron variant (1).
Genome position (GRCh38, 1-based): chr3:129,437,275, T>C on the plus strand (A>G on the coding strand, the complement: MBD4 is on the minus strand). VCF-style: chr3-129437275-T-C. GRCh37 (hg19) VCF-style: chr3-129156118-T-C.
Other names: c.369A>G, p.Ser123= (NM_001276271.2, NM_001276272.2, NM_003925.3); c.247+533A>G (NM_001276273.2).
Identifiers: ClinVar variation 4875879 (VCV004875879.1).